The following is an entry in ClinVar:

ClinVar aggregate classification (germline): Uncertain significance (1 of 4 stars; one submission).

Submission:

Women's Health and Genetics/Laboratory Corporation of America, LabCorp
Classification: Uncertain significance. Last evaluated: 2026-05-07. Review status: criteria provided, single submitter. Criteria: LabCorp Variant Classification Summary - May 2015. Collection method: clinical testing. Allele origin: germline.
Comment: Variant summary: The variant involves the duplication of exons 3-5 (i.e. the last 3 exons) in the NM_000451.4 transcript of the SHOX gene. This variant is also annotated as duplication of exons 4-6 in NM_000451.3. A presumed nomenclature of c.(486+1_487-1)_(*6949_?)dup has been designated for the purposes of this classification. The exact breakpoint at the 3' end of this variant is unknown, therefore this duplication may extend downstream of the annotated region of the gene. As it duplicates the termination codon, its effect on the encoded protein is unknown. A matching duplication (size: 18,351 bp) was found at a frequency of 4.8e-05 in 124402 control chromosomes in the gnomAD database (Structural Variants v4.1 dataset). In addition, a few larger duplications were also found in a small number of carriers. A duplication of exons 4-6 (NM_000451.3) together with a downstream gene region (~140 kbp) has been reported in the literature in heterozygous state in two members from a family (mother and daughter), who were both affected with Short Stature phenotype (Benito-Sanz_2011, Benito-Sanz_2017). In addition, similar large duplications were also reported in two unrelated patients with neurodevelopmental disorders, and one of these patients was noted to have Short Stature (Tropeano_2016). Recent studies suggest (e.g. PMID 36927524, 35074420) that the transcription of SHOX is dependent upon the interaction of the gene with a complex array of flanking regulatory elements, and the expressivity of SHOX deficiency is known to be highly variable (PMID: 21325865), therefore these data indicate that similar variants in heterozygous state may be associated with Short Stature, but it is unclear if they can contribute to more severe phenotypes. To our knowledge, no experimental evidence demonstrating an impact on protein function has been reported. The following publications have been ascertained in the context of this evaluation (PMID: 21147883, 27604558, 27073233). ClinVar contains an entry for this variant (Variation ID: 1696137). Based on the evidence outlined above, the variant was classified as VUS-possibly pathogenic.

Literature cited by the submitters: PubMed 21147883; PubMed 27604558; PubMed 27073233.

NC_000023.10:g.(595562_601555)_(612320_?)dup

Gene: SHOX (SHOX homeobox; plus strand). Cytogenetic location: Xp22.33.
Variant type: Duplication.
Identifiers: ClinVar variation 4853467 (VCV004853467.1).